The following is an entry in ClinVar:

ClinVar aggregate classification (germline): Conflicting classifications of pathogenicity. Review status: criteria provided, conflicting classifications (1 of 4 stars). 3 submissions from 3 submitters: Uncertain significance (1); Likely benign (2). Last evaluated 2025-12-30.

Conditions:
SLC27A5-related disorder. Also called: SLC27A5-related condition.

Allele frequency attached by ClinVar (database versions not stated): gnomAD 0.00004; TOPMed 0.00004; gnomAD exomes 0.00005 and 0.00007; ExAC 0.00014; ESP Exome Variant Server 0.00016.

Submissions (3):

PreventionGenetics, part of Exact Sciences
Classification: Likely benign for SLC27A5-related condition. Last evaluated: 2025-12-30. Review status: criteria provided, single submitter. Criteria: ACMG Guidelines, 2015. Collection method: clinical testing. Allele origin: germline.
Comment: This variant is classified as likely benign based on ACMG/AMP sequence variant interpretation guidelines (Richards et al. 2015 PMID: 25741868, with internal and published modifications).

Labcorp Genetics (formerly Invitae), Labcorp
Classification: Likely benign. Last evaluated: 2025-11-27. Review status: criteria provided, single submitter. Criteria: Invitae Variant Classification Sherloc (09022015). Collection method: clinical testing. Allele origin: germline.

Eurofins Ntd Llc (ga)
Classification: Uncertain significance. Last evaluated: 2018-05-15. Review status: criteria provided, single submitter. Criteria: EGL ClinVar v180209 classification definitions. Collection method: clinical testing. Allele origin: germline. Observed: 1 variant allele, 1 heterozygote.

NM_012254.3(SLC27A5):c.225C>T (p.Leu75=)

Gene: SLC27A5 (solute carrier family 27 member 5; minus strand). Cytogenetic location: 19q13.43.
Variant type: single nucleotide variant.
Coding change: c.225C>T on transcript NM_012254.3 (MANE Select); coding-DNA position 225, C replaced by T.
Protein change: p.Leu75=; no amino-acid change (leucine 75 retained).
Molecular consequence: synonymous variant.
Genome position (GRCh38, 1-based): chr19:58,511,731, G>A on the plus strand (C>T on the coding strand, the complement: SLC27A5 is on the minus strand). VCF-style: chr19-58511731-G-A. GRCh37 (hg19) VCF-style: chr19-59023098-G-A.
Other names: c.225C>T (NM_012254.2); c.225C>T, p.Leu75= (NM_001321196.2).
Identifiers: ClinVar variation 597238 (VCV000597238.9), dbSNP rs372436444, ClinGen allele CA9718323.